The following is an entry in ClinVar:

NM_134269.3(SMTN):c.494A>T (p.Glu165Val)

Gene: SMTN (smoothelin; plus strand). Cytogenetic location: 22q12.2.
Variant type: single nucleotide variant.
Coding change: c.494A>T on transcript NM_134269.3 (MANE Select); coding-DNA position 494, A replaced by T.
Protein change: p.Glu165Val; replaces glutamic acid 165 with valine.
Molecular consequence: missense variant. On other transcripts: 5 prime UTR variant (1), non-coding transcript variant (4).
Genome position (GRCh38, 1-based): chr22:31,089,721, A>T. VCF-style: chr22-31089721-A-T. GRCh37 (hg19) VCF-style: chr22-31485707-A-T.
Other names: c.656A>T, p.Glu219Val (NM_001207017.1, NM_001382643.1, NM_001382644.1); c.662A>T, p.Glu221Val (NM_001207018.2); c.494A>T, p.Glu165Val (NM_001382638.1, NM_001382639.1, NM_001382640.1 and 6 more transcripts); c.776A>T, p.Glu259Val (NM_001382642.1); c.-677A>T (NM_001382648.1); short protein forms E165V, E219V, E221V, E259V.
Identifiers: ClinVar variation 2653064 (VCV002653064.24), dbSNP rs2517914299, ClinGen allele CA411221710.

ClinVar aggregate classification (germline): Uncertain significance (1 of 4 stars; one submission).

Submission:

CeGaT Center for Human Genetics Tuebingen
Classification: Uncertain significance. Last evaluated: 2023-02-01. Review status: criteria provided, single submitter. Criteria: CeGaT Center For Human Genetics Tuebingen Variant Classification Criteria Version 2. Collection method: clinical testing. Allele origin: germline. Affected: yes. Observed: 1 variant allele.
Comment: SMTN: PM2, BP4